The following is an entry in ClinVar:

ClinVar aggregate classification (germline): Uncertain significance. Review status: criteria provided, multiple submitters, no conflicts (2 of 4 stars). 2 submissions from 2 submitters: Uncertain significance (2). Last evaluated 2024-01-08.

Conditions:
Inborn genetic diseases. Identifiers: MedGen C0950123, MeSH D030342.

Allele frequency attached by ClinVar (database versions not stated): gnomAD 0.00001.
gnomAD v4.1: 13 of 1,613,456 alleles (0.00081%); highest among the groups gnomAD compares: East Asian, 0.0067%; no homozygotes.

Submissions (2):

Ambry Genetics
Classification: Uncertain significance for Inborn genetic diseases. Last evaluated: 2024-01-08. Review status: criteria provided, single submitter. Criteria: Ambry Variant Classification Scheme 2023. Collection method: clinical testing. Allele origin: germline.

Labcorp Genetics (formerly Invitae), Labcorp
Classification: Uncertain significance. Last evaluated: 2022-02-10. Review status: criteria provided, single submitter. Criteria: Invitae Variant Classification Sherloc (09022015). Collection method: clinical testing. Allele origin: germline.
Comment: This sequence change replaces arginine, which is basic and polar, with histidine, which is basic and polar, at codon 145 of the C6 protein (p.Arg145His). This variant is present in population databases (rs757730138, gnomAD 0.02%). This variant has not been reported in the literature in individuals affected with C6-related conditions. Algorithms developed to predict the effect of missense changes on protein structure and function are either unavailable or do not agree on the potential impact of this missense change (SIFT: "Tolerated"; PolyPhen-2: "Possibly Damaging"; Align-GVGD: "Class C0"). In summary, the available evidence is currently insufficient to determine the role of this variant in disease. Therefore, it has been classified as a Variant of Uncertain Significance.

NM_000065.5(C6):c.434G>A (p.Arg145His)

Gene: C6 (complement C6; minus strand). Cytogenetic location: 5p13.1.
Variant type: single nucleotide variant.
Coding change: c.434G>A on transcript NM_000065.5 (MANE Select); coding-DNA position 434, G replaced by A.
Protein change: p.Arg145His; replaces arginine 145 with histidine.
Molecular consequence: missense variant.
Genome position (GRCh38, 1-based): chr5:41,199,779, C>T on the plus strand (G>A on the coding strand, the complement: C6 is on the minus strand). VCF-style: chr5-41199779-C-T. GRCh37 (hg19) VCF-style: chr5-41199881-C-T.
Other names: c.434G>A, p.Arg145His (NM_001115131.4); c.434G>A (NM_000065.2); short protein forms R145H.
Identifiers: ClinVar variation 1419529 (VCV001419529.6), dbSNP rs757730138, ClinGen allele CA3252802.
Genomic context (GRCh38, chr5:41,199,779, plus strand): 5'-AGTCAAGCTATTTTTAGTGGGGACTGAACATTTCACAAAAATACATTACCACTGTCACAG[C>T]GAAATTTATTCTTGCAGTCAGCCTCTTCAATTTTGCAGAGCTTAGATGGAATGCATGGTT-3'
Protein context (NP_000056.2, residues 135-155): IEEADCKNKF[Arg145His]CDSGRCIARK